The following is an entry in ClinVar:

ClinVar aggregate classification (germline): Pathogenic/Likely pathogenic. Review status: criteria provided, multiple submitters, no conflicts (2 of 4 stars). 2 submissions from 2 submitters: Pathogenic (1); Likely pathogenic (1). Last evaluated 2025-08-27.

Conditions:
Hereditary cancer-predisposing syndrome. Also called: Hereditary neoplastic syndrome; Neoplastic Syndromes, Hereditary; Tumor predisposition; Hereditary Cancer Syndrome. Identifiers: Orphanet 140162, MedGen C0027672, MeSH D009386, MONDO:0015356.

Submissions (2):

Genetic Services Laboratory, University of Chicago
Classification: Likely pathogenic. Last evaluated: 2025-08-27. Review status: criteria provided, single submitter. Criteria: ACMG Guidelines, 2015. Collection method: clinical testing. Allele origin: germline.
Comment: The c.1113T>A variant: Results in the creation of a premature stop codon at amino acid position 371, p.Tyr371*. Is predicted to result in an abnormal transcript, which may be degraded, or may lead to the production of a truncated BRIP1 protein with potentially abnormal function. Has not been previously described in individuals with BRIP1-related disorders. Other loss-of-function variants in BRIP1 have been reported in individuals with BRIP1-related cancers and are known to be pathogenic (PMID: 16116423, 17033622, 21964575). Has not been described in population databases such as gnomAD v4. ClinVar contains an entry for this variant (Variation ID: 1795771). Collectively this evidence indicates that this variant is pathogenic; however functional studies have not been performed to prove this conclusively.

Ambry Genetics
Classification: Pathogenic for Hereditary cancer-predisposing syndrome. Last evaluated: 2022-03-03. Review status: criteria provided, single submitter. Criteria: Ambry Variant Classification Scheme 2023. Collection method: clinical testing. Allele origin: germline.
Comment: The p.Y371* pathogenic mutation (also known as c.1113T>A), located in coding exon 7 of the BRIP1 gene, results from a T to A substitution at nucleotide position 1113. This changes the amino acid from a tyrosine to a stop codon within coding exon 7. This variant is considered to be rare based on population cohorts in the Genome Aggregation Database (gnomAD). This alteration is expected to result in loss of function by premature protein truncation or nonsense-mediated mRNA decay. As such, this alteration is interpreted as a disease-causing mutation.

NM_032043.3(BRIP1):c.1113T>A (p.Tyr371Ter)

Gene: BRIP1 (BRCA1 interacting DNA helicase 1; minus strand). Cytogenetic location: 17q23.2.
Variant type: single nucleotide variant.
Coding change: c.1113T>A on transcript NM_032043.3 (MANE Select); coding-DNA position 1113, T replaced by A.
Protein change: p.Tyr371Ter; replaces tyrosine 371 with a stop codon.
Molecular consequence: nonsense.
Genome position (GRCh38, 1-based): chr17:61,801,280, A>T on the plus strand (T>A on the coding strand, the complement: BRIP1 is on the minus strand). VCF-style: chr17-61801280-A-T. GRCh37 (hg19) VCF-style: chr17-59878641-A-T.
Other names: short protein forms Y371*.
Identifiers: ClinVar variation 1795771 (VCV001795771.3), dbSNP rs2145332634, ClinGen allele CA400483904.